The following is an entry in ClinVar:

NM_000066.4(C8B):c.1031A>G (p.Tyr344Cys)

Gene: C8B (complement C8 beta chain; minus strand). Cytogenetic location: 1p32.2.
Variant type: single nucleotide variant.
Coding change: c.1031A>G on transcript NM_000066.4 (MANE Select); coding-DNA position 1031, A replaced by G.
Protein change: p.Tyr344Cys; replaces tyrosine 344 with cysteine.
Molecular consequence: missense variant.
Genome position (GRCh38, 1-based): chr1:56,945,895, T>C on the plus strand (A>G on the coding strand, the complement: C8B is on the minus strand). VCF-style: chr1-56945895-T-C. GRCh37 (hg19) VCF-style: chr1-57411568-T-C.
Other names: c.875A>G, p.Tyr292Cys (NM_001278543.2); c.845A>G, p.Tyr282Cys (NM_001278544.2); short protein forms Y282C, Y292C, Y344C.
Identifiers: ClinVar variation 1039114 (VCV001039114.8), dbSNP rs773539697, ClinGen allele CA340527462.

ClinVar aggregate classification (germline): Uncertain significance (1 of 4 stars; one submission).

gnomAD v4.1: 1 of 1,614,004 alleles (0.000062%); highest among the groups gnomAD compares: Non-Finnish European, 0.000085%; no homozygotes.

Submission:

Labcorp Genetics (formerly Invitae), Labcorp
Classification: Uncertain significance. Last evaluated: 2020-10-24. Review status: criteria provided, single submitter. Criteria: Invitae Variant Classification Sherloc (09022015). Collection method: clinical testing. Allele origin: germline.
Comment: This sequence change replaces tyrosine with cysteine at codon 344 of the C8B protein (p.Tyr344Cys). The tyrosine residue is moderately conserved and there is a large physicochemical difference between tyrosine and cysteine. This variant is not present in population databases (ExAC no frequency). This variant has not been reported in the literature in individuals with C8B-related conditions. Algorithms developed to predict the effect of missense changes on protein structure and function are either unavailable or do not agree on the potential impact of this missense change (SIFT: "Deleterious"; PolyPhen-2: "Probably Damaging"; Align-GVGD: "Class C0"). In summary, the available evidence is currently insufficient to determine the role of this variant in disease. Therefore, it has been classified as a Variant of Uncertain Significance.